The following is an entry in ClinVar:

NM_001374736.1(DST):c.13555G>T (p.Glu4519Ter)

Gene: DST (dystonin; minus strand). Cytogenetic location: 6p12.1.
Variant type: single nucleotide variant.
Coding change: c.13555G>T on transcript NM_001374736.1 (MANE Select); coding-DNA position 13555, G replaced by T.
Protein change: p.Glu4519Ter; replaces glutamic acid 4519 with a stop codon.
Molecular consequence: nonsense.
Genome position (GRCh38, 1-based): chr6:56,572,266, C>A on the plus strand (G>T on the coding strand, the complement: DST is on the minus strand). VCF-style: chr6-56572266-C-A. GRCh37 (hg19) VCF-style: chr6-56437064-C-A.
Other names: p.Glu1896*; c.7198G>T, p.Glu2400Ter (NM_001144769.5); c.6784G>T, p.Glu2262Ter (NM_001144770.2); c.13555G>T, p.Glu4519Ter (NM_001374722.1); c.12922G>T, p.Glu4308Ter (NM_001374729.1); c.6664G>T, p.Glu2222Ter (NM_001374730.1, NM_001386100.1, NM_183380.4); c.13582G>T, p.Glu4528Ter (NM_001374734.1); c.5686G>T, p.Glu1896Ter (NM_015548.5); short protein forms E2222*, E2400*, E2262*, E4519*, E4528*, E1896*, E4308*.
Identifiers: ClinVar variation 4541177 (VCV004541177.1).

ClinVar aggregate classification (germline): Likely pathogenic (1 of 4 stars; one submission).

Submission:

Mayo Clinic Laboratories, Mayo Clinic
Classification: Likely pathogenic. Last evaluated: 2025-10-01. Review status: criteria provided, single submitter. Criteria: ACMG Guidelines, 2015. Collection method: clinical testing. Allele origin: germline. Observed: 1 variant allele.
Comment: PM2_supporting, PVS1